The following is an entry in ClinVar:

NM_003000.3(SDHB):c.541-4A>T

Gene: SDHB (succinate dehydrogenase complex iron sulfur subunit B; minus strand). Cytogenetic location: 1p36.13.
Variant type: single nucleotide variant.
Coding change: c.541-4A>T on transcript NM_003000.3 (MANE Select); 4 bases into the intron before coding-DNA position 541, A replaced by T.
Molecular consequence: intron variant.
Genome position (GRCh38, 1-based): chr1:17,024,078, T>A on the plus strand (A>T on the coding strand, the complement: SDHB is on the minus strand). VCF-style: chr1-17024078-T-A. GRCh37 (hg19) VCF-style: chr1-17350573-T-A.
Identifiers: ClinVar variation 1577641 (VCV001577641.9), dbSNP rs2077978890, ClinGen allele CA2573130776.

ClinVar aggregate classification (germline): Likely benign. Review status: criteria provided, multiple submitters, no conflicts (2 of 4 stars). 2 submissions from 2 submitters: Likely benign (2). Last evaluated 2025-12-05.

Conditions:
Pheochromocytoma. Also called: MAX-Related Hereditary Paraganglioma-Pheochromocytoma Syndrome. Identifiers: Orphanet 29072, MedGen C0031511, MONDO:0008233, OMIM 171300, HP:0002666.
Pheochromocytoma/paraganglioma syndrome 4. Also called: PHEOCHROMOCYTOMA, FAMILIAL EXTRAADRENAL; CAROTID BODY TUMORS AND MULTIPLE EXTRAADRENAL PHEOCHROMOCYTOMAS; PARAGANGLIOMA, FAMILIAL MALIGNANT; PARAGANGLIOMAS, HEREDITARY EXTRAADRENAL; Paragangliomas 4; SDHB-Related Hereditary Paraganglioma-Pheochromocytoma Syndrome (Paragangliomas 4). Identifiers: Orphanet 29072, MedGen C1861848, MONDO:0007273, OMIM 115310.
Gastrointestinal stromal tumor. Also called: Gastrointestinal stromal tumor, somatic; Gastrointestinal stroma tumor. Identifiers: Orphanet 44890, MedGen C0238198, MeSH D046152, MONDO:0011719, OMIM 606764, HP:0100723.

Allele frequency attached by ClinVar (database versions not stated): gnomAD exomes below 0.00001.
gnomAD v4.1: 1 of 1,607,274 alleles (0.000062%); highest among the groups gnomAD compares: East Asian, 0.0022%; no homozygotes.

Submissions (2):

Labcorp Genetics (formerly Invitae), Labcorp
Classification: Likely benign for Gastrointestinal stromal tumor; Pheochromocytoma/paraganglioma syndrome 4; Pheochromocytoma. Last evaluated: 2025-12-05. Review status: criteria provided, single submitter. Criteria: Invitae Variant Classification Sherloc (09022015). Collection method: clinical testing. Allele origin: germline.

Myriad Genetics, Inc.
Classification: Likely benign for Pheochromocytoma/paraganglioma syndrome 4. Last evaluated: 2025-03-13. Review status: criteria provided, single submitter. Criteria: Myriad Autosomal Dominant, Autosomal Recessive and X-Linked Classification Criteria (2023). Collection method: clinical testing. Allele origin: unknown.
Comment: This variant is considered likely benign. This variant is intronic and is not expected to impact mRNA splicing.